The following is an entry in ClinVar:

NM_001042492.3(NF1):c.4085G>A (p.Arg1362Gln)

Gene: NF1 (neurofibromin 1; plus strand). Cytogenetic location: 17q11.2.
Variant type: single nucleotide variant.
Coding change: c.4085G>A on transcript NM_001042492.3 (MANE Select); coding-DNA position 4085, G replaced by A.
Protein change: p.Arg1362Gln; replaces arginine 1362 with glutamine.
Molecular consequence: missense variant.
Genome position (GRCh38, 1-based): chr17:31,249,094, G>A. VCF-style: chr17-31249094-G-A. GRCh37 (hg19) VCF-style: chr17-29576112-G-A.
Other names: c.4085G>A, p.Arg1362Gln (NM_000267.4); short protein forms R1362Q.
Identifiers: ClinVar variation 219443 (VCV000219443.18), dbSNP rs540108477, ClinGen allele CA350067.

ClinVar aggregate classification (germline): Conflicting classifications of pathogenicity. Review status: criteria provided, conflicting classifications (1 of 4 stars). 6 submissions from 6 submitters: Uncertain significance (5); Likely benign (1). Last evaluated 2025-11-25.

Conditions:
NF1-related disorder. Also called: NF1-related condition. Identifiers: MedGen CN379171.
Cardiovascular phenotype. Identifiers: MedGen CN230736.
Hereditary cancer-predisposing syndrome. Also called: Tumor predisposition; Hereditary Cancer Syndrome; Neoplastic Syndromes, Hereditary; Hereditary neoplastic syndrome. Identifiers: Orphanet 140162, MedGen C0027672, MeSH D009386, MONDO:0015356.
Juvenile myelomonocytic leukemia (JMML). Also called: LEUKEMIA, JUVENILE MYELOMONOCYTIC, SOMATIC. Identifiers: Orphanet 86834, MedGen C0349639, MONDO:0011908, OMIM 607785, HP:0012209.
Neurofibromatosis, type 1 (NF1). Also called: VON RECKLINGHAUSEN DISEASE; Peripheral type neurofibromatosis; Neurofibromatosis, type I; NEUROFIBROMATOSIS, TYPE I, SOMATIC. Identifiers: Orphanet 636, MedGen C0027831, MONDO:0018975, OMIM 162200. Disease mechanism: loss of function.
Neurofibromatosis-Noonan syndrome (NFNS). Also called: NEUROFIBROMATOSIS WITH NOONAN PHENOTYPE. Identifiers: Orphanet 638, MedGen C2931482, MONDO:0011035, OMIM 601321. Disease mechanism: loss of function.
Café-au-lait macules with pulmonary stenosis (WTSN). Also called: PULMONIC STENOSIS WITH CAFE-AU-LAIT SPOTS. Identifiers: MedGen C0553586, MONDO:0008672, OMIM 193520.
Neurofibromatosis, familial spinal (FSNF). Identifiers: Orphanet 636, MedGen C1834235, MONDO:0008078, OMIM 162210. Disease mechanism: loss of function.

Allele frequency attached by ClinVar (database versions not stated): gnomAD exomes below 0.00001; gnomAD 0.00001; 1000 Genomes Project 30x 0.00016; 1000 Genomes Project 0.00020.
gnomAD v4.1: 7 of 1,614,000 alleles (0.00043%); highest among the groups gnomAD compares: East Asian, 0.0022%; no homozygotes.

Submissions (6):

Labcorp Genetics (formerly Invitae), Labcorp
Classification: Likely benign for Neurofibromatosis, type 1. Last evaluated: 2025-11-25. Review status: criteria provided, single submitter. Criteria: Invitae Variant Classification Sherloc (09022015). Collection method: clinical testing. Allele origin: germline.

Ambry Genetics
Classification: Uncertain significance for Cardiovascular phenotype; Hereditary cancer-predisposing syndrome. Last evaluated: 2024-07-02. Review status: criteria provided, single submitter. Criteria: Ambry Variant Classification Scheme 2023. Collection method: clinical testing. Allele origin: germline.
Comment: The p.R1362Q variant (also known as c.4085G>A), located in coding exon 30 of the NF1 gene, results from a G to A substitution at nucleotide position 4085. The arginine at codon 1362 is replaced by glutamine, an amino acid with highly similar properties. This amino acid position is highly conserved in available vertebrate species. In addition, this alteration is predicted to be deleterious by in silico analysis. Based on the available evidence, the clinical significance of this variant remains unclear.

Fulgent Genetics
Classification: Uncertain significance for Neurofibromatosis, type 1; Neurofibromatosis, familial spinal; Café-au-lait macules with pulmonary stenosis; Neurofibromatosis-Noonan syndrome; Juvenile myelomonocytic leukemia. Last evaluated: 2024-01-29. Review status: criteria provided, single submitter. Criteria: ACMG Guidelines, 2015. Collection method: clinical testing. Allele origin: germline.

GeneDx
Classification: Uncertain significance. Last evaluated: 2023-07-03. Review status: criteria provided, single submitter. Criteria: GeneDx Variant Classification Process June 2021. Collection method: clinical testing. Allele origin: germline. Affected: yes.
Comment: In silico analysis supports that this missense variant has a deleterious effect on protein structure/function; Published functional studies demonstrate reduced GTPase activating protein (GAP) activity but no effect on estrogen receptor repression (Zheng et al., 2020); This variant is associated with the following publications: (PMID: 25486365, 22807134, 32142667)

PreventionGenetics, part of Exact Sciences
Classification: Uncertain significance for NF1-related condition. Last evaluated: 2023-05-19. Review status: criteria provided, single submitter. Criteria: ACMG Guidelines, 2015. Collection method: clinical testing. Allele origin: germline.
Comment: The NF1 c.4085G>A variant is predicted to result in the amino acid substitution p.Arg1362Gln. To our knowledge, this variant has not been reported in the literature. This variant is reported in 0.0054% of alleles in individuals of East Asian descent in gnomAD. At this time, the clinical significance of this variant is uncertain due to the absence of conclusive functional and genetic evidence.

Genome-Nilou Lab
Classification: Uncertain significance for Neurofibromatosis, type 1. Last evaluated: 2022-03-15. Review status: criteria provided, single submitter. Criteria: ACMG Guidelines, 2015. Collection method: clinical testing. Allele origin: germline. Affected: no.